The following is an entry in ClinVar:

ClinVar aggregate classification (germline): Uncertain significance (1 of 4 stars; one submission).

Allele frequency attached by ClinVar (database versions not stated): TOPMed below 0.00001; gnomAD 0.00001.
gnomAD v4.1: 1 of 1,513,960 alleles (0.000066%); highest among the groups gnomAD compares: Non-Finnish European, 0.000088%; no homozygotes.

Submission:

Mayo Clinic Laboratories, Mayo Clinic
Classification: Uncertain significance. Last evaluated: 2022-05-13. Review status: criteria provided, single submitter. Criteria: ACMG Guidelines, 2015. Collection method: clinical testing. Allele origin: germline. Observed: 1 variant allele.
Comment: BP4

NM_001374736.1(DST):c.13699A>T (p.Met4567Leu)

Gene: DST (dystonin; minus strand). Cytogenetic location: 6p12.1.
Variant type: single nucleotide variant.
Coding change: c.13699A>T on transcript NM_001374736.1 (MANE Select); coding-DNA position 13699, A replaced by T.
Protein change: p.Met4567Leu; replaces methionine 4567 with leucine.
Molecular consequence: missense variant.
Genome position (GRCh38, 1-based): chr6:56,572,122, T>A on the plus strand (A>T on the coding strand, the complement: DST is on the minus strand). VCF-style: chr6-56572122-T-A. GRCh37 (hg19) VCF-style: chr6-56436920-T-A.
Other names: p.Met1944Leu; c.7342A>T, p.Met2448Leu (NM_001144769.5); c.6928A>T, p.Met2310Leu (NM_001144770.2); c.13699A>T, p.Met4567Leu (NM_001374722.1); c.13066A>T, p.Met4356Leu (NM_001374729.1); c.6808A>T, p.Met2270Leu (NM_001374730.1, NM_001386100.1, NM_183380.4); c.13726A>T, p.Met4576Leu (NM_001374734.1); c.5830A>T, p.Met1944Leu (NM_015548.5); short protein forms M1944L, M2270L, M2310L, M2448L, M4356L, M4567L, M4576L.
Identifiers: ClinVar variation 2682931 (VCV002682931.1), dbSNP rs1483687792, ClinGen allele CA364526147.